The following is an entry in ClinVar:

NM_000384.3(APOB):c.85G>A (p.Glu29Lys)

Genes: APOB (apolipoprotein B; minus strand), LOC106560211 (APOB 5' regulatory region; plus strand). Cytogenetic location: 2p24.1.
Variant type: single nucleotide variant.
Coding change: c.85G>A on transcript NM_000384.3 (MANE Select); coding-DNA position 85, G replaced by A.
Protein change: p.Glu29Lys; replaces glutamic acid 29 with lysine.
Molecular consequence: missense variant.
Genome position (GRCh38, 1-based): chr2:21,043,549, C>T on the plus strand (G>A on the coding strand, the complement: APOB is on the minus strand). VCF-style: chr2-21043549-C-T. GRCh37 (hg19) VCF-style: chr2-21266421-C-T.
Other names: short protein forms E29K.
Identifiers: ClinVar variation 630367 (VCV000630367.7), dbSNP rs768728964, ClinGen allele CA065835.

ClinVar aggregate classification (germline): Uncertain significance. Review status: criteria provided, multiple submitters, no conflicts (2 of 4 stars). 2 submissions from 2 submitters: Uncertain significance (2). Last evaluated 2022-02-22.

Conditions:
Hypercholesterolemia, autosomal dominant, type B (FHCL2). Also called: APOB-Related Familial Hypercholesterolemia, Autosomal Dominant; Hyperlipoproteinemia Type IIb; Familial Hypercholesterolemia Type B; APOLIPOPROTEIN B-100, FAMILIAL DEFECTIVE; APOLIPOPROTEIN B-100, FAMILIAL LIGAND-DEFECTIVE; Familial hypercholesterolemia 2. Identifiers: MedGen C1704417, MONDO:0007751, OMIM 144010.
Familial hypobetalipoproteinemia 1. Also called: APOB-Related Familial Hypobetalipoproteinemia; Hypobetalipoproteinemia, normotriglyceridemic; Acanthocytosis with hypobetalipoproteinemia. Identifiers: MedGen C4551990, MONDO:0014252, OMIM 615558.
Familial hypercholesterolemia. Also called: Familial hypercholesterolemias; Familial hypercholesterolaemia. Identifiers: MedGen C0020445, MONDO:0005439.

Allele frequency attached by ClinVar (database versions not stated): ExAC below 0.00001; gnomAD exomes 0.00001 and 0.00002; gnomAD 0.00002; TOPMed 0.00002.
gnomAD v4.1: 21 of 1,602,690 alleles (0.0013%); highest among the groups gnomAD compares: Non-Finnish European, 0.0017%; no homozygotes.

Submissions (2):

Labcorp Genetics (formerly Invitae), Labcorp
Classification: Uncertain significance for Familial hypobetalipoproteinemia 1; Hypercholesterolemia, autosomal dominant, type B. Last evaluated: 2022-02-22. Review status: criteria provided, single submitter. Criteria: Invitae Variant Classification Sherloc (09022015). Collection method: clinical testing. Allele origin: germline.
Comment: ClinVar contains an entry for this variant (Variation ID: 630367). This variant has not been reported in the literature in individuals affected with APOB-related conditions. The frequency data for this variant in the population databases is considered unreliable, as metrics indicate poor data quality at this position in the gnomAD database. This sequence change replaces glutamic acid, which is acidic and polar, with lysine, which is basic and polar, at codon 29 of the APOB protein (p.Glu29Lys). In summary, the available evidence is currently insufficient to determine the role of this variant in disease. Therefore, it has been classified as a Variant of Uncertain Significance. Algorithms developed to predict the effect of missense changes on protein structure and function output the following: SIFT: "Tolerated"; PolyPhen-2: "Benign"; Align-GVGD: "Class C0". The lysine amino acid residue is found in multiple mammalian species, which suggests that this missense change does not adversely affect protein function.

Color Diagnostics, LLC DBA Color Health
Classification: Uncertain significance for Familial hypercholesterolemia. Last evaluated: 2019-04-09. Review status: criteria provided, single submitter. Criteria: ACMG Guidelines, 2015. Collection method: clinical testing. Allele origin: germline.
Comment: This missense variant (also known as p.Glu2Lys in the mature protein) replaces glutamic acid with lysine at codon 29 of the APOB protein. Computational prediction tools and conservation analyses suggest that this variant may not impact the protein function. Computational splicing tools suggest that this variant may not impact RNA splicing. To our knowledge, functional assays have not been performed for this variant nor has this variant been reported in individuals affected with familial hypercholesterolemia in the literature. This variant has been identified in 5/261136 chromosomes in the general population by the Genome Aggregation Database (gnomAD). Available evidence is insufficient to determine the role of this variant in disease conclusively. Therefore, this variant is classified as a Variant of Uncertain Significance.